The following is an entry in ClinVar:

NM_001271938.2(MEGF8):c.1819C>T (p.Arg607Cys)

Gene: MEGF8 (multiple EGF like domains 8; plus strand). Cytogenetic location: 19q13.2.
Variant type: single nucleotide variant.
Coding change: c.1819C>T on transcript NM_001271938.2 (MANE Select); coding-DNA position 1819, C replaced by T.
Protein change: p.Arg607Cys; replaces arginine 607 with cysteine.
Molecular consequence: missense variant.
Genome position (GRCh38, 1-based): chr19:42,344,471, C>T. VCF-style: chr19-42344471-C-T. GRCh37 (hg19) VCF-style: chr19-42848623-C-T.
Other names: c.1819C>T (NM_001410.2); c.1819C>T, p.Arg607Cys (NM_001410.3); short protein forms R607C.
Identifiers: ClinVar variation 1444677 (VCV001444677.7), dbSNP rs747026334, ClinGen allele CA9474573.

ClinVar aggregate classification (germline): Uncertain significance. Review status: criteria provided, multiple submitters, no conflicts (2 of 4 stars). 2 submissions from 2 submitters: Uncertain significance (2). Last evaluated 2025-01-20.

Conditions:
Inborn genetic diseases. Identifiers: MedGen C0950123, MeSH D030342.
MEGF8-related Carpenter syndrome. Also called: Carpenter syndrome 2. Identifiers: Orphanet 65759, MedGen C3554247, MONDO:0013998, OMIM 614976.

Allele frequency attached by ClinVar (database versions not stated): gnomAD exomes below 0.00001 and 0.00001; ExAC 0.00002.
gnomAD v4.1: 8 of 1,596,724 alleles (0.0005%); highest among the groups gnomAD compares: African/African-American, 0.004%; no homozygotes.

Submissions (2):

Ambry Genetics
Classification: Uncertain significance for Inborn genetic diseases. Last evaluated: 2025-01-20. Review status: criteria provided, single submitter. Criteria: Ambry Variant Classification Scheme 2023. Collection method: clinical testing. Allele origin: germline.

Labcorp Genetics (formerly Invitae), Labcorp
Classification: Uncertain significance for MEGF8-related Carpenter syndrome. Last evaluated: 2021-11-05. Review status: criteria provided, single submitter. Criteria: Invitae Variant Classification Sherloc (09022015). Collection method: clinical testing. Allele origin: germline.
Comment: This sequence change replaces arginine, which is basic and polar, with cysteine, which is neutral and slightly polar, at codon 607 of the MEGF8 protein (p.Arg607Cys). This variant is present in population databases (rs747026334, gnomAD 0.004%). This variant has not been reported in the literature in individuals affected with MEGF8-related conditions. In summary, the available evidence is currently insufficient to determine the role of this variant in disease. Therefore, it has been classified as a Variant of Uncertain Significance. Algorithms developed to predict the effect of missense changes on protein structure and function are either unavailable or do not agree on the potential impact of this missense change (SIFT: "Deleterious"; PolyPhen-2: "Probably Damaging"; Align-GVGD: "Class C0").